The following is an entry in ClinVar:

ClinVar aggregate classification (germline): Pathogenic (1 of 4 stars; one submission).

Conditions:
Glutaric aciduria, type 1. Also called: GA I; Glutaryl-CoA dehydrogenase deficiency; Glutaric acidemia type I; Glutaricacidemia Type 1; Glutaricaciduria, type I; Glutaric Acidemia Type 1. Identifiers: Orphanet 25, MedGen C0268595, MONDO:0009281, OMIM 231670.

Submission:

Myriad Genetics, Inc.
Classification: Pathogenic for Glutaric aciduria, type 1. Last evaluated: 2023-09-27. Review status: criteria provided, single submitter. Criteria: Myriad Autosomal Dominant, Autosomal Recessive and X-Linked Classification Criteria (2023). Collection method: clinical testing. Allele origin: unknown.
Comment: NM_000159.2(GCDH):c.949dupC(L317Pfs*26) is expected to be pathogenic in the context of glutaric acidemia, GCDH-related. This variant is predicted to lead to an abnormal or absent protein product due to the creation of a premature termination codon in GCDH, a gene where loss-of-function variants are known to be pathogenic. Please note: this variant was assessed in the context of healthy population screening.

NM_000159.4(GCDH):c.949dup (p.Leu317fs)

Gene: GCDH (glutaryl-CoA dehydrogenase; plus strand). Cytogenetic location: 19p13.13.
Variant type: Duplication.
Coding change: c.949dup on transcript NM_000159.4 (MANE Select); coding-DNA position 949, one base duplicated (C; older notation c.949dupC).
Protein change: p.Leu317fs; shifts the reading frame from leucine 317.
Molecular consequence: frameshift variant. On other transcripts: non-coding transcript variant (2).
Genome position (GRCh38, 1-based): chr19:12,897,006, C duplicated; the last of 3 consecutive C bases (chr19:12,897,004-12,897,006); duplicating any one gives the same sequence. VCF-style (leftmost placement, unchanged base first): chr19-12897003-G-GC. GRCh37 (hg19) VCF-style: chr19-13007817-G-GC.
Other names: c.949dup, p.Leu317fs (NM_013976.5); short protein forms L317fs.
Identifiers: ClinVar variation 5012132 (VCV005012132.1).